The following is an entry in ClinVar:

ClinVar aggregate classification (germline): Uncertain significance (0 of 4 stars; one submission).

Conditions:
PLXNA3-related disorder. Also called: PLXNA3-related condition.

Allele frequency attached by ClinVar (database versions not stated): ExAC 0.00003; TOPMed 0.00006; gnomAD 0.00007.
gnomAD v4.1: 82 of 1,193,570 alleles (0.0069%); highest among the groups gnomAD compares: Non-Finnish European, 0.0091%; no homozygotes.

Submission:

PreventionGenetics, part of Exact Sciences
Classification: Uncertain significance for PLXNA3-related condition. Last evaluated: 2024-03-19. Review status: no assertion criteria provided. Collection method: clinical testing. Allele origin: germline.
Comment: The PLXNA3 c.1928C>T variant is predicted to result in the amino acid substitution p.Ser643Leu. To our knowledge, this variant has not been reported in the literature. This variant is reported in 0.0066% of alleles in individuals of European (Non-Finnish) descent in gnomAD. At this time, the clinical significance of this variant is uncertain due to the absence of conclusive functional and genetic evidence.

NM_017514.5(PLXNA3):c.1928C>T (p.Ser643Leu)

Gene: PLXNA3 (plexin A3; plus strand). Cytogenetic location: Xq28.
Variant type: single nucleotide variant.
Coding change: c.1928C>T on transcript NM_017514.5 (MANE Select); coding-DNA position 1928, C replaced by T.
Protein change: p.Ser643Leu; replaces serine 643 with leucine.
Molecular consequence: missense variant.
Genome position (GRCh38, 1-based): chrX:154,464,501, C>T. VCF-style: chrX-154464501-C-T. GRCh37 (hg19) VCF-style: chrX-153692844-C-T.
Other names: short protein forms S643L.
Identifiers: ClinVar variation 2628495 (VCV002628495.3), dbSNP rs201284044, ClinGen allele CA10564214.
Genomic context (GRCh38, chrX:154,464,501, plus strand): 5'-AGACAGGCGTGAGGTTTGCCGGTGCTGACTTTGTCTTCTACAACTGCAGCGTCCTCCAGT[C>T]GTGAGTACCTGGCCAGCACCCGTCCCTACCCCTGGGGATAGAGGGGACCTCTGGGACAGG-3'
Protein context (NP_059984.3, residues 633-653): FVFYNCSVLQ[Ser643Leu]CMSCVGSPYP